The following is an entry in ClinVar:

NM_018122.5(DARS2):c.1344+1365T>C

Gene: DARS2 (aspartyl-tRNA synthetase 2, mitochondrial; plus strand). Cytogenetic location: 1q25.1.
Variant type: single nucleotide variant.
Coding change: c.1344+1365T>C on transcript NM_018122.5 (MANE Select); 1365 bases into the intron after coding-DNA position 1344, T replaced by C.
Molecular consequence: intron variant. On other transcripts: synonymous variant (1).
Genome position (GRCh38, 1-based): chr1:173,851,844, T>C. VCF-style: chr1-173851844-T-C. GRCh37 (hg19) VCF-style: chr1-173820982-T-C.
Other names: c.1353T>C, p.Phe451= (NM_001365213.2); c.1192-1505T>C (NM_001365212.1).
Identifiers: ClinVar variation 4681988 (VCV004681988.5).

ClinVar aggregate classification (germline): Likely benign (1 of 4 stars; one submission).

Submission:

CeGaT Center for Human Genetics Tuebingen
Classification: Likely benign. Last evaluated: 2025-12-01. Review status: criteria provided, single submitter. Criteria: CeGaT Center For Human Genetics Tuebingen Variant Classification Criteria Version 2. Collection method: clinical testing. Allele origin: germline. Affected: yes. Observed: 1 variant allele.
Comment: DARS2: PM2:Supporting, BP4, BP7